The following is an entry in ClinVar:

NM_001083962.2(TCF4):c.576C>A (p.Ala192=)

Gene: TCF4 (transcription factor 4; minus strand). Cytogenetic location: 18q21.2.
Variant type: single nucleotide variant.
Coding change: c.576C>A on transcript NM_001083962.2 (MANE Select); coding-DNA position 576, C replaced by A.
Protein change: p.Ala192=; no amino-acid change (alanine 192 retained).
Molecular consequence: synonymous variant. On other transcripts: 5 prime UTR variant (1).
Genome position (GRCh38, 1-based): chr18:55,279,630, G>T on the plus strand (C>A on the coding strand, the complement: TCF4 is on the minus strand). VCF-style: chr18-55279630-G-T. GRCh37 (hg19) VCF-style: chr18-52946861-G-T.
Other names: c.882C>A, p.Ala294= (NM_001243226.3); c.504C>A, p.Ala168= (NM_001243227.2, NM_001306207.1, NM_001348217.1 and 9 more transcripts); c.594C>A, p.Ala198= (NM_001243228.2); c.570C>A, p.Ala190= (NM_001243230.2); c.450C>A, p.Ala150= (NM_001243231.2, NM_001348211.2); c.363C>A, p.Ala121= (NM_001243232.1, NM_001306208.1); c.186C>A, p.Ala62= (NM_001243233.2, NM_001330605.3, NM_001348212.2 and 1 more transcripts); c.96C>A, p.Ala32= (NM_001243234.2, NM_001243235.2, NM_001243236.2 and 2 more transcripts); and 4 more.
Identifiers: ClinVar variation 1129740 (VCV001129740.26), dbSNP rs143993583, ClinGen allele CA8970454.

ClinVar aggregate classification (germline): Likely benign. Review status: criteria provided, multiple submitters, no conflicts (2 of 4 stars). 2 submissions from 2 submitters: Likely benign (2). Last evaluated 2024-07-25.

Conditions:
Pitt-Hopkins syndrome (PTHS). Also called: ENCEPHALOPATHY, SEVERE EPILEPTIC, WITH AUTONOMIC DYSFUNCTION; MENTAL RETARDATION, SYNDROMAL, WITH INTERMITTENT HYPERVENTILATION. Identifiers: Orphanet 2896, MedGen C1970431, MONDO:0012589, OMIM 610954.

Allele frequency attached by ClinVar (database versions not stated): ESP Exome Variant Server 0.00008.
gnomAD v4.1: 106 of 1,613,788 alleles (0.0066%); highest among the groups gnomAD compares: Non-Finnish European, 0.0086%; no homozygotes.

Submissions (2):

Labcorp Genetics (formerly Invitae), Labcorp
Classification: Likely benign for Pitt-Hopkins syndrome. Last evaluated: 2024-07-25. Review status: criteria provided, single submitter. Criteria: Invitae Variant Classification Sherloc (09022015). Collection method: clinical testing. Allele origin: germline.

CeGaT Center for Human Genetics Tuebingen
Classification: Likely benign. Last evaluated: 2024-07-01. Review status: criteria provided, single submitter. Criteria: CeGaT Center For Human Genetics Tuebingen Variant Classification Criteria Version 2. Collection method: clinical testing. Allele origin: germline. Affected: yes. Observed: 1 variant allele.
Comment: TCF4: BP4